The following is an entry in ClinVar:

ClinVar aggregate classification (germline): Uncertain significance (1 of 4 stars; one submission).

Submission:

Women's Health and Genetics/Laboratory Corporation of America, LabCorp
Classification: Uncertain significance. Last evaluated: 2025-03-18. Review status: criteria provided, single submitter. Criteria: LabCorp Variant Classification Summary - May 2015. Collection method: clinical testing. Allele origin: germline.
Comment: Variant summary: The variant involves the duplication of exons 1-4 in the IMPA1 gene. A presumed nomenclature of c.(?_-99)_(302+1_303-1)dup has been designated for the purposes of this classification. The exact breakpoint at the 5' end of this variant is unknown, therefore this duplication may extend upstream of the annotated region of this gene. It is predicted to duplicate a segment including the initiation codon, therefore its impact on the encoded protein is unknown. The variant was absent in 21686 control chromosomes. The available data on variant occurrences in the general population are insufficient to allow any conclusion about variant significance. To our knowledge, no occurrence of c.(?_-99)_(302+1_303-1)dup in individuals affected with Intellectual Developmental Disorder, Autosomal Recessive 59 and no experimental evidence demonstrating its impact on protein function have been reported. No submitters have cited clinical-significance assessments for this variant to ClinVar. Based on the evidence outlined above, the variant was classified as uncertain significance.

NC_000008.10:g.(82588515_82591360)_(82598561_?)dup

Gene: IMPA1 (inositol monophosphatase 1; minus strand). Cytogenetic location: 8q21.13.
Variant type: Duplication.
Identifiers: ClinVar variation 3895555 (VCV003895555.1).